The following is an entry in ClinVar:

NM_007294.4(BRCA1):c.5034T>G (p.Asn1678Lys)

Gene: BRCA1 (BRCA1 DNA repair associated; minus strand). Cytogenetic location: 17q21.31.
Variant type: single nucleotide variant.
Coding change: c.5034T>G on transcript NM_007294.4 (MANE Select); coding-DNA position 5034, T replaced by G.
Protein change: p.Asn1678Lys; replaces asparagine 1678 with lysine.
Molecular consequence: missense variant. On other transcripts: non-coding transcript variant (1).
Genome position (GRCh38, 1-based): chr17:43,067,648, A>C on the plus strand (T>G on the coding strand, the complement: BRCA1 is on the minus strand). VCF-style: chr17-43067648-A-C. GRCh37 (hg19) VCF-style: chr17-41219665-A-C.
Other names: c.1386T>G, p.Asn462Lys (NM_001408508.1); c.1383T>G, p.Asn461Lys (NM_001408509.1); c.1344T>G, p.Asn448Lys (NM_001408510.1); c.1341T>G, p.Asn447Lys (NM_001408511.1); c.1221T>G, p.Asn407Lys (NM_001408512.1); c.1194T>G, p.Asn398Lys (NM_001408513.1); c.4893T>G, p.Asn1631Lys (NM_007297.4, NM_001407726.1, NM_001407727.1 and 13 more transcripts); c.1722T>G, p.Asn574Lys (NM_007298.4, NM_007299.4, NM_007304.2 and 13 more transcripts); and 70 more; short protein forms N1631K, N1678K, N574K, N1699K, N1524K, N1549K, N1565K, N1611K.
Identifiers: ClinVar variation 867556 (VCV000867556.5), dbSNP rs898511378, ClinGen allele CA10591447.

ClinVar aggregate classification (germline): Uncertain significance (1 of 4 stars; one submission).

Conditions:
Hereditary breast ovarian cancer syndrome. Also called: Hereditary breast and ovarian cancer; Hereditary breast and ovarian cancer syndrome (HBOC); Breast and ovarian cancer; Hereditary breast and/or ovarian cancer syndrome; BRCA1- and BRCA2-Associated Hereditary Breast and Ovarian Cancer; Hereditary breast and ovarian cancer syndrome. Identifiers: Orphanet 145, MedGen C0677776, MeSH D061325, MONDO:0003582. Disease mechanism: loss of function.

Submissions (2):

Labcorp Genetics (formerly Invitae), Labcorp
Classification: Uncertain significance for Hereditary breast ovarian cancer syndrome. Last evaluated: 2024-12-19. Review status: criteria provided, single submitter. Criteria: Invitae Variant Classification Sherloc (09022015). Collection method: clinical testing. Allele origin: germline.
Comment: This sequence change replaces asparagine, which is neutral and polar, with lysine, which is basic and polar, at codon 1678 of the BRCA1 protein (p.Asn1678Lys). This variant is not present in population databases (gnomAD no frequency). This variant has not been reported in the literature in individuals affected with BRCA1-related conditions. ClinVar contains an entry for this variant (Variation ID: 867556). Invitae Evidence Modeling incorporating data from in vitro experimental studies (PMID: 30209399) indicates that this missense variant is not expected to disrupt BRCA1 function with a negative predictive value of 95%. In summary, the available evidence is currently insufficient to determine the role of this variant in disease. Therefore, it has been classified as a Variant of Uncertain Significance.

Brotman Baty Institute, University of Washington
No classification provided (evidence only). Condition: Breast-ovarian cancer, familial 1. Review status: no classification provided. Collection method: in vitro. Allele origin: not applicable. Functional consequence: functionally_normal. Not counted in ClinVar's aggregate classification.
ClinVar note: "not provided" was previously submitted as the classification for the variant. However, the classification appeared to be based only on an observation of functional data so it was converted to no classification on 2025-07-30.

Literature cited by the submitters: PubMed 30209399 (cited by Labcorp Genetics (formerly Invitae), Labcorp).